The following is an entry in ClinVar:

NM_025074.7(FRAS1):c.1678+2678A>G

Gene: FRAS1 (Fraser extracellular matrix complex subunit 1; plus strand). Cytogenetic location: 4q21.21.
Variant type: single nucleotide variant.
Coding change: c.1678+2678A>G on transcript NM_025074.7 (MANE Select); 2678 bases into the intron after coding-DNA position 1678, A replaced by G.
Molecular consequence: intron variant.
Genome position (GRCh38, 1-based): chr4:78,310,887, A>G. VCF-style: chr4-78310887-A-G. GRCh37 (hg19) VCF-style: chr4-79232041-A-G.
Other names: c.1678+2678A>G (NM_001166133.2).
Identifiers: ClinVar variation 4293147 (VCV004293147.1).
Genomic context (GRCh38, chr4:78,310,887, plus strand): 5'-TCAAGATAAAGACCGGCTGGTGTGGGTTTAACAATTTATAACCTACCAGCCTGTATCTGT[A>G]GAAATCTCAAAGTCAAGTACTTAGAAAAAACCAGCATAGCCTGTTATGAAGGGTGGTATG-3'

ClinVar aggregate classification (germline): Uncertain significance (1 of 4 stars; one submission).

Conditions:
Fraser syndrome 1 (FRASRS1). Also called: CRYPTOPHTHALMOS WITH OTHER MALFORMATIONS. Identifiers: Orphanet 2052, MedGen C4551480, MONDO:0054737, OMIM 219000.

gnomAD v4.1: 198 of 152,340 alleles (0.13%); highest among the groups gnomAD compares: African/African-American, 0.45%; no homozygotes.

Submission:

3billion
Classification: Uncertain significance for Fraser syndrome 1. Last evaluated: 2024-06-12. Review status: criteria provided, single submitter. Criteria: ACMG Guidelines, 2015. Collection method: clinical testing. Allele origin: germline. Affected: yes.
Comment: The variant is observed at an extremely low frequency in the gnomAD v4.0.0 dataset (total allele frequency: 0.002%). Predicted Consequence/Location: Canonical splice site: predicted to alter splicing and result in a loss or disruption of normal protein function. Multiple pathogenic loss-of-function variants are reported downstream of the variant. In silico tools predict the variant to alter splicing and produce an abnormal transcript [SpliceAI: 0.97 (spliceogenicity >=0.2, non-spliceogenicity <0.1)]. The variant has been reported to be associated with FRAS1 related disorder (ClinVar ID: VCV000988192). Therefore, this variant is classified as Pathogenic according to the recommendation of ACMG/AMP guideline.